The following is an entry in ClinVar:

NM_001142800.2(EYS):c.7112A>G (p.Gln2371Arg)

Gene: EYS (EGF-like photoreceptor maintenance factor; minus strand). Cytogenetic location: 6q12.
Variant type: single nucleotide variant.
Coding change: c.7112A>G on transcript NM_001142800.2 (MANE Select); coding-DNA position 7112, A replaced by G.
Protein change: p.Gln2371Arg; replaces glutamine 2371 with arginine.
Molecular consequence: missense variant.
Genome position (GRCh38, 1-based): chr6:63,864,302, T>C on the plus strand (A>G on the coding strand, the complement: EYS is on the minus strand). VCF-style: chr6-63864302-T-C. GRCh37 (hg19) VCF-style: chr6-64574195-T-C.
Other names: c.7112A>G (NM_001142800.1); c.7112A>G, p.Gln2371Arg (NM_001292009.2); short protein forms Q2371R.
Identifiers: ClinVar variation 1518308 (VCV001518308.5), dbSNP rs989241722, ClinGen allele CA140252584.

ClinVar aggregate classification (germline): Uncertain significance. Review status: criteria provided, multiple submitters, no conflicts (2 of 4 stars). 2 submissions from 2 submitters: Uncertain significance (2). Last evaluated 2025-10-18.

Conditions:
Inborn genetic diseases. Identifiers: MedGen C0950123, MeSH D030342.

Allele frequency attached by ClinVar (database versions not stated): gnomAD 0.00001; gnomAD exomes 0.00001; TOPMed 0.00001.
gnomAD v4.1: 14 of 1,551,604 alleles (0.0009%); highest among the groups gnomAD compares: Non-Finnish European, 0.0012%; no homozygotes.

Submissions (2):

Ambry Genetics
Classification: Uncertain significance for Inborn genetic diseases. Last evaluated: 2025-10-18. Review status: criteria provided, single submitter. Criteria: Ambry Variant Classification Scheme 2023. Collection method: clinical testing. Allele origin: germline.

Labcorp Genetics (formerly Invitae), Labcorp
Classification: Uncertain significance. Last evaluated: 2022-06-13. Review status: criteria provided, single submitter. Criteria: Invitae Variant Classification Sherloc (09022015). Collection method: clinical testing. Allele origin: germline.
Comment: This sequence change replaces glutamine, which is neutral and polar, with arginine, which is basic and polar, at codon 2371 of the EYS protein (p.Gln2371Arg). This variant is present in population databases (no rsID available, gnomAD 0.004%). This variant has not been reported in the literature in individuals affected with EYS-related conditions. Algorithms developed to predict the effect of missense changes on protein structure and function output the following: SIFT: "Deleterious"; PolyPhen-2: "Probably Damaging"; Align-GVGD: "Class C0". The arginine amino acid residue is found in multiple mammalian species, which suggests that this missense change does not adversely affect protein function. In summary, the available evidence is currently insufficient to determine the role of this variant in disease. Therefore, it has been classified as a Variant of Uncertain Significance.